The following is an entry in ClinVar:

ClinVar aggregate classification (germline): Uncertain significance (1 of 4 stars; one submission).

Allele frequency attached by ClinVar (database versions not stated): 1000 Genomes Project 30x 0.00031; gnomAD exomes 0.00004; TOPMed 0.00011; gnomAD 0.00007; ExAC 0.00011; 1000 Genomes Project 0.00020.
gnomAD v4.1: 69 of 1,614,192 alleles (0.0043%); highest among the groups gnomAD compares: East Asian, 0.11%; 1 homozygote.

Submission:

Labcorp Genetics (formerly Invitae), Labcorp
Classification: Uncertain significance. Last evaluated: 2025-06-16. Review status: criteria provided, single submitter. Criteria: Invitae Variant Classification Sherloc (09022015). Collection method: clinical testing. Allele origin: germline.
Comment: This sequence change replaces glutamic acid, which is acidic and polar, with lysine, which is basic and polar, at codon 1099 of the NIN protein (p.Glu1099Lys). This variant is present in population databases (rs555327034, gnomAD 0.1%), and has an allele count higher than expected for a pathogenic variant. This variant has not been reported in the literature in individuals affected with NIN-related conditions. ClinVar contains an entry for this variant (Variation ID: 2766103). An algorithm developed to predict the effect of missense changes on protein structure and function (PolyPhen-2) suggests that this variant is likely to be tolerated. In summary, the available evidence is currently insufficient to determine the role of this variant in disease. Therefore, it has been classified as a Variant of Uncertain Significance.

NM_020921.4(NIN):c.3295G>A (p.Glu1099Lys)

Gene: NIN (ninein; minus strand). Cytogenetic location: 14q22.1.
Variant type: single nucleotide variant.
Coding change: c.3295G>A on transcript NM_020921.4 (MANE Select); coding-DNA position 3295, G replaced by A.
Protein change: p.Glu1099Lys; replaces glutamic acid 1099 with lysine.
Molecular consequence: missense variant. On other transcripts: intron variant (1).
Genome position (GRCh38, 1-based): chr14:50,757,735, C>T on the plus strand (G>A on the coding strand, the complement: NIN is on the minus strand). VCF-style: chr14-50757735-C-T. GRCh37 (hg19) VCF-style: chr14-51224453-C-T.
Other names: c.3295G>A, p.Glu1099Lys (NM_182944.3, NM_182946.2); c.2399+2122G>A (NM_016350.5); short protein forms E1099K.
Identifiers: ClinVar variation 2766103 (VCV002766103.3), dbSNP rs555327034, ClinGen allele CA7181767.